The following is an entry in ClinVar:

NM_000135.4(FANCA):c.1356C>G (p.Phe452Leu)

Gene: FANCA (FA complementation group A; minus strand). Cytogenetic location: 16q24.3.
Variant type: single nucleotide variant.
Coding change: c.1356C>G on transcript NM_000135.4 (MANE Select); coding-DNA position 1356, C replaced by G.
Protein change: p.Phe452Leu; replaces phenylalanine 452 with leucine.
Molecular consequence: missense variant.
Genome position (GRCh38, 1-based): chr16:89,791,406, G>C on the plus strand (C>G on the coding strand, the complement: FANCA is on the minus strand). VCF-style: chr16-89791406-G-C. GRCh37 (hg19) VCF-style: chr16-89857814-G-C.
Other names: c.1356C>G, p.Phe452Leu (NM_001286167.3); short protein forms F452L.
Identifiers: ClinVar variation 4797347 (VCV004797347.2).

ClinVar aggregate classification (germline): Uncertain significance. Review status: criteria provided, multiple submitters, no conflicts (2 of 4 stars). 2 submissions from 2 submitters: Uncertain significance (2). Last evaluated 2026-03-07.

Conditions:
Fanconi anemia (FA). Also called: Fanconi's anemia. Identifiers: Orphanet 84, MedGen C0015625, MeSH D005199, MONDO:0019391.
Inborn genetic diseases. Identifiers: MedGen C0950123, MeSH D030342.

Submissions (2):

Ambry Genetics
Classification: Uncertain significance for Inborn genetic diseases. Last evaluated: 2026-03-07. Review status: criteria provided, single submitter. Criteria: Ambry Variant Classification Scheme 2023. Collection method: clinical testing. Allele origin: germline.
Comment: The p.F452L variant (also known as c.1356C>G), located in coding exon 14 of the FANCA gene, results from a C to G substitution at nucleotide position 1356. The phenylalanine at codon 452 is replaced by leucine, an amino acid with highly similar properties. This amino acid position is conserved. In addition, this alteration is predicted to be deleterious by in silico analysis. Based on the available evidence, the clinical significance of this variant remains unclear.

Labcorp Genetics (formerly Invitae), Labcorp
Classification: Uncertain significance for Fanconi anemia. Last evaluated: 2025-02-18. Review status: criteria provided, single submitter. Criteria: Invitae Variant Classification Sherloc (09022015). Collection method: clinical testing. Allele origin: germline.
Comment: This sequence change replaces phenylalanine, which is neutral and non-polar, with leucine, which is neutral and non-polar, at codon 452 of the FANCA protein (p.Phe452Leu). This variant is not present in population databases (gnomAD no frequency). This variant has not been reported in the literature in individuals affected with FANCA-related conditions. Invitae Evidence Modeling of protein sequence and biophysical properties (such as structural, functional, and spatial information, amino acid conservation, physicochemical variation, residue mobility, and thermodynamic stability) indicates that this missense variant is expected to disrupt FANCA protein function with a positive predictive value of 95%. In summary, the available evidence is currently insufficient to determine the role of this variant in disease. Therefore, it has been classified as a Variant of Uncertain Significance.